The following is an entry in ClinVar:

ClinVar aggregate classification (germline): Conflicting classifications of pathogenicity. Review status: criteria provided, conflicting classifications (1 of 4 stars). 8 submissions from 8 submitters: Uncertain significance (2); Benign (2); Likely benign (4). Last evaluated 2025-12-02.

Conditions:
Ehlers-Danlos syndrome, classic type, 1 (EDSCL1). Also called: Ehlers-Danlos Syndrome, Classic Type, COL5A1-Related; EDS I; EHLERS-DANLOS SYNDROME, GRAVIS TYPE; EHLERS-DANLOS SYNDROME, SEVERE CLASSIC TYPE; Ehlers-Danlos syndrome, type 1. Identifiers: MedGen C0268335, MONDO:0019567, OMIM 130000.
Ehlers-Danlos syndrome, classic type, 2 (EDSCL2). Also called: Ehlers-Danlos Syndrome, Classic Type, COL5A2-Related; Ehlers-Danlos syndrome type 2 (formerly); Ehlers-Danlos syndrome, type 2. Identifiers: Orphanet 287, Orphanet 90318, MedGen C0268336, MONDO:0019568, OMIM 130010.
Familial thoracic aortic aneurysm and aortic dissection (TAAD). Also called: Thoracic aortic aneurysms and dissections. Identifiers: Orphanet 91387, MedGen C4707243, MONDO:0019625.
Telecanthus. Identifiers: Orphanet 98575, MedGen C0423113, MONDO:0008537, OMIM 187350, HP:0000506.

Allele frequency attached by ClinVar (database versions not stated): TOPMed 0.00003; gnomAD 0.00004 and 0.00005; gnomAD exomes 0.00004 and 0.00006; ExAC 0.00007; ESP Exome Variant Server 0.00015.
gnomAD v4.1: 66 of 1,613,712 alleles (0.0041%); highest among the groups gnomAD compares: Middle Eastern, 0.18%; no homozygotes.

Submissions (8):

Labcorp Genetics (formerly Invitae), Labcorp
Classification: Benign for Ehlers-Danlos syndrome, classic type, 1. Last evaluated: 2025-12-02. Review status: criteria provided, single submitter. Criteria: Invitae Variant Classification Sherloc (09022015). Collection method: clinical testing. Allele origin: germline.

Women's Health and Genetics/Laboratory Corporation of America, LabCorp
Classification: Likely benign. Last evaluated: 2025-10-06. Review status: criteria provided, single submitter. Criteria: LabCorp Variant Classification Summary - May 2015. Collection method: clinical testing. Allele origin: germline.
Comment: Variant summary: COL5A2 c.3614T>C (p.Val1205Ala) results in a non-conservative amino acid change in the encoded protein sequence. Algorithms developed to predict the effect of missense changes on protein structure and function are either unavailable or do not agree on the potential impact of this missense change. The variant allele was found at a frequency of 6e-05 in 251430 control chromosomes. The observed variant frequency exceeds the estimated maximal expected allele frequency for disease-causing variants in COL5A2. To our knowledge, no occurrence of c.3614T>C in individuals affected with COL5A2-related conditions and no experimental evidence demonstrating its impact on protein function have been reported. ClinVar contains an entry for this variant (Variation ID: 333134). Based on the evidence outlined above, the variant was classified as likely benign.

Ambry Genetics
Classification: Benign for Familial thoracic aortic aneurysm and aortic dissection. Last evaluated: 2025-09-15. Review status: criteria provided, single submitter. Criteria: Ambry Variant Classification Scheme 2023. Collection method: clinical testing. Allele origin: germline.

Mayo Clinic Laboratories, Mayo Clinic
Classification: Likely benign. Last evaluated: 2025-04-25. Review status: criteria provided, single submitter. Criteria: ACMG Guidelines, 2015. Collection method: clinical testing. Allele origin: germline. Observed: 1 variant allele.
Comment: BS1, BP4

Blueprint Genetics
Classification: Likely benign. Last evaluated: 2023-06-26. Review status: criteria provided, single submitter. Criteria: ACMG Guidelines, 2015. Collection method: clinical testing. Allele origin: germline.

Pittsburgh Clinical Genomics Laboratory, University of Pittsburgh Medical Center
Classification: Uncertain significance for Telecanthus. Last evaluated: 2022-09-21. Review status: criteria provided, single submitter. Criteria: ACMG Guidelines, 2015. Collection method: clinical testing. Allele origin: germline. Inheritance: Autosomal dominant inheritance. Affected: yes.
Comment: This sequence variant is a single nucleotide substitution (T>C) at coding position 3614 of the COL5A2 gene that results in a valine to alanine amino acid change at residue 1205 of the COL5A2 protein. This is a previously reported variant (ClinVar) that has not been observed in individuals with COL5A2-related illness in the literature, to our knowledge. This variant is present in the gnomAD control population dataset (16 of 282822 alleles or 0.005%). Bioinformatic tools predict that this variant would be tolerated, and the Val1205 residue is moderately conserved across the mammalian species examined. Functiol studies testing the effect of this variant on protein structure or activity have not been performed, to our knowledge. At this time, there is insufficient evidence to determine if this variant is pathogenic or benign. Therefore, we consider this to be a variant of uncertain significance. ACMG Criteria: BP4, PM2

ARUP Laboratories, Molecular Genetics and Genomics, ARUP Laboratories
Classification: Likely benign for Ehlers-Danlos syndrome, classic type, 2. Last evaluated: 2021-10-11. Review status: criteria provided, single submitter. Criteria: ARUP Molecular Germline Variant Investigation Process 2021. Collection method: clinical testing. Allele origin: germline.

GeneDx
Classification: Uncertain significance. Last evaluated: 2016-09-14. Review status: criteria provided, single submitter. Criteria: GeneDx Variant Classification (06012015). Collection method: clinical testing. Allele origin: germline. Affected: yes.
Comment: A variant of uncertain significance has been identified in the COL5A2 gene. The V1205A variant has not beenpublished as a pathogenic variant, nor has it been reported as a benign variant to our knowledge. The V1205A variantwas not observed with any significant frequency in approximately 6,500 individuals of European and AfricanAmerican ancestry in the NHLBI Exome Sequencing Project, indicating it is not a common benign variant in thesepopulations. Nevertheless, the V1205A variant is a conservative amino acid substitution, which is not likely toimpact secondary protein structure as these residues share similar properties. This substitution occurs at a positionthat is not conserved across species and in silico analysis is inconsistent in its predictions as to whether or not thevariant is damaging to the protein structure/function. Furthermore, the V1205A does not affect a Glycine residue in aGly-X-Y motif in the triple helical region of the COL5A2 gene, where the majority of pathogenic missense variantsoccur (Stenson et al., 2014; Symoens et al., 2012). However, in contrast to several other collagen genes, relativelyfew pathogenic Glycine substitutions have been reported in COL5A2 in association with Ehlers-Danlos syndrome.Most pathogenic variants in COL5A2 are in-frame splice site changes that cause exon skipping (Symoens et al.,2012).

NM_000393.5(COL5A2):c.3614T>C (p.Val1205Ala)

Gene: COL5A2 (collagen type V alpha 2 chain; minus strand). Cytogenetic location: 2q32.2.
Variant type: single nucleotide variant.
Coding change: c.3614T>C on transcript NM_000393.5 (MANE Select); coding-DNA position 3614, T replaced by C.
Protein change: p.Val1205Ala; replaces valine 1205 with alanine.
Molecular consequence: missense variant.
Genome position (GRCh38, 1-based): chr2:189,041,605, A>G on the plus strand (T>C on the coding strand, the complement: COL5A2 is on the minus strand). VCF-style: chr2-189041605-A-G. GRCh37 (hg19) VCF-style: chr2-189906331-A-G.
Other names: p.Val1205Ala; short protein forms V1205A.
Identifiers: ClinVar variation 333134 (VCV000333134.62), dbSNP rs148110552, ClinGen allele CA2021961.